The following is an entry in ClinVar:

NM_004990.4(MARS1):c.849C>T (p.Asn283=)

Gene: MARS1 (methionyl-tRNA synthetase 1; plus strand). Cytogenetic location: 12q13.3.
Variant type: single nucleotide variant.
Coding change: c.849C>T on transcript NM_004990.4 (MANE Select); coding-DNA position 849, C replaced by T.
Protein change: p.Asn283=; no amino-acid change (asparagine 283 retained).
Molecular consequence: synonymous variant.
Genome position (GRCh38, 1-based): chr12:57,498,235, C>T. VCF-style: chr12-57498235-C-T. GRCh37 (hg19) VCF-style: chr12-57892018-C-T.
Other names: c.849C>T (NM_004990.3).
Identifiers: ClinVar variation 1921613 (VCV001921613.30), dbSNP rs764572846, ClinGen allele CA6650314.

ClinVar aggregate classification (germline): Likely benign. Review status: criteria provided, multiple submitters, no conflicts (2 of 4 stars). 3 submissions from 3 submitters: Likely benign (3). Last evaluated 2025-09-22.

Conditions:
Severe early-onset pulmonary alveolar proteinosis due to MARS deficiency. Also called: PULMONARY ALVEOLAR PROTEINOSIS, REUNION ISLAND; Interstitial lung and liver disease. Identifiers: Orphanet 440427, MedGen C4225400, MONDO:0014206, OMIM 615486.
Charcot-Marie-Tooth disease axonal type 2U. Also called: CHARCOT-MARIE-TOOTH NEUROPATHY, TYPE 2U; CHARCOT-MARIE-TOOTH DISEASE, AXONAL, AUTOSOMAL DOMINANT, TYPE 2U. Identifiers: Orphanet 397735, MedGen C4084821, MONDO:0014566, OMIM 616280.
MARS1-related disorder. Also called: MARS1-related condition.

Allele frequency attached by ClinVar (database versions not stated): gnomAD 0.00001; gnomAD exomes 0.00001; TOPMed 0.00001; ExAC 0.00003.
gnomAD v4.1: 23 of 1,614,102 alleles (0.0014%); highest among the groups gnomAD compares: Non-Finnish European, 0.0019%; no homozygotes.

Submissions (3):

PreventionGenetics, part of Exact Sciences
Classification: Likely benign for MARS1-related condition. Last evaluated: 2025-09-22. Review status: criteria provided, single submitter. Criteria: ACMG Guidelines, 2015. Collection method: clinical testing. Allele origin: germline.
Comment: This variant is classified as likely benign based on ACMG/AMP sequence variant interpretation guidelines (Richards et al. 2015 PMID: 25741868, with internal and published modifications).

Labcorp Genetics (formerly Invitae), Labcorp
Classification: Likely benign for Charcot-Marie-Tooth disease axonal type 2U; Severe early-onset pulmonary alveolar proteinosis due to MARS deficiency. Last evaluated: 2024-10-11. Review status: criteria provided, single submitter. Criteria: Invitae Variant Classification Sherloc (09022015). Collection method: clinical testing. Allele origin: germline.

CeGaT Center for Human Genetics Tuebingen
Classification: Likely benign. Last evaluated: 2022-05-01. Review status: criteria provided, single submitter. Criteria: CeGaT Center For Human Genetics Tuebingen Variant Classification Criteria Version 2. Collection method: clinical testing. Allele origin: germline. Affected: yes. Observed: 1 variant allele.
Comment: MARS1: BP4, BP7